The following is an entry in ClinVar:

NM_001370259.2(MEN1):c.1606C>T (p.Gln536Ter)

Gene: MEN1 (menin 1; minus strand). Cytogenetic location: 11q13.1.
Variant type: single nucleotide variant.
Coding change: c.1606C>T on transcript NM_001370259.2 (MANE Select); coding-DNA position 1606, C replaced by T.
Protein change: p.Gln536Ter; replaces glutamine 536 with a stop codon.
Molecular consequence: nonsense. On other transcripts: non-coding transcript variant (4).
Genome position (GRCh38, 1-based): chr11:64,804,561, G>A on the plus strand (C>T on the coding strand, the complement: MEN1 is on the minus strand). VCF-style: chr11-64804561-G-A. GRCh37 (hg19) VCF-style: chr11-64572033-G-A.
Other names: c.1621C>T, p.Gln541Ter (NM_000244.4, NM_001407145.1, NM_130800.3 and 4 more transcripts); c.1732C>T, p.Gln578Ter (NM_001370251.2, NM_001407142.1, NM_001407143.1 and 1 more transcripts); c.1606C>T, p.Gln536Ter (NM_001370260.2, NM_001370261.2, NM_001407146.1 and 2 more transcripts); c.1501C>T, p.Gln501Ter (NM_001370262.2, NM_001370263.2, NM_001407148.1 and 1 more transcripts); c.1747C>T, p.Gln583Ter (NM_001407150.1); c.1627C>T, p.Gln543Ter (NM_001407151.1); c.1441C>T, p.Gln481Ter (NM_001407152.1); short protein forms Q481*, Q501*, Q536*, Q541*, Q543*, Q578*, Q583*.
Identifiers: ClinVar variation 3766948 (VCV003766948.1).

ClinVar aggregate classification (germline): Pathogenic (1 of 4 stars; one submission).

Submission:

ARUP Laboratories, Molecular Genetics and Genomics, ARUP Laboratories
Classification: Pathogenic. Last evaluated: 2024-01-09. Review status: criteria provided, single submitter. Criteria: ARUP Molecular Germline Variant Investigation Process 2024. Collection method: clinical testing. Allele origin: germline.
Comment: The MEN1 c.1606C>T; p.Gln536Ter variant is reported in the literature in individuals affected with multiple endocrine neoplasia type 1 or related disorders (Giraud 1998, Kong 2016, VergÃ¨s 2002, Wautot 2002). This variant is also absent from the Genome Aggregation Database (v2.1.1), indicating it is not a common polymorphism. This variant results in a premature termination codon in the last exon of the MEN1 gene. While this may not lead to nonsense-mediated decay, it is expected to create a truncated MEN1 protein. Based on available information, this variant is considered to be pathogenic. References: Giraud S et al. Germ-line mutation analysis in patients with multiple endocrine neoplasia type 1 and related disorders. Am J Hum Genet. 1998 Aug;63(2):455-67. PMID: 9683585. Kong J et al. Clinical and Genetic Analysis of Multiple Endocrine Neoplasia Type 1-Related Primary Hyperparathyroidism in Chinese. PLoS One. 2016 Nov 15;11(11):e0166634. PMID: 27846313. VergÃ¨s B et al. Pituitary disease in MEN type 1 (MEN1): data from the France-Belgium MEN1 multicenter study. J Clin Endocrinol Metab. 2002 Feb;87(2):457-65. PMID: 11836268. Wautot V et al. Germline mutation profile of MEN1 in multiple endocrine neoplasia type 1: search for correlation between phenotype and the functional domains of the MEN1 protein. Hum Mutat. 2002 Jul;20(1):35-47. PMID: 12112656.